The following is an entry in ClinVar:

NM_002439.5(MSH3):c.2155A>T (p.Ile719Phe)

Gene: MSH3 (mutS homolog 3; plus strand). Cytogenetic location: 5q14.1.
Variant type: single nucleotide variant.
Coding change: c.2155A>T on transcript NM_002439.5 (MANE Select); coding-DNA position 2155, A replaced by T.
Protein change: p.Ile719Phe; replaces isoleucine 719 with phenylalanine.
Molecular consequence: missense variant.
Genome position (GRCh38, 1-based): chr5:80,768,905, A>T. VCF-style: chr5-80768905-A-T. GRCh37 (hg19) VCF-style: chr5-80064724-A-T.
Other names: short protein forms I719F.
Identifiers: ClinVar variation 652431 (VCV000652431.11), dbSNP rs763245421, ClinGen allele CA3328147.

ClinVar aggregate classification (germline): Uncertain significance. Review status: criteria provided, multiple submitters, no conflicts (2 of 4 stars). 2 submissions from 2 submitters: Uncertain significance (2). Last evaluated 2025-11-17.

Conditions:
Hereditary cancer-predisposing syndrome. Also called: Neoplastic Syndromes, Hereditary; Tumor predisposition; Hereditary Cancer Syndrome; Hereditary neoplastic syndrome. Identifiers: Orphanet 140162, MedGen C0027672, MeSH D009386, MONDO:0015356.

Allele frequency attached by ClinVar (database versions not stated): ExAC 0.00001; gnomAD exomes 0.00001.
gnomAD v4.1: 3 of 1,612,394 alleles (0.00019%); highest among the groups gnomAD compares: Non-Finnish European, 0.00025%; no homozygotes.

Submissions (2):

Labcorp Genetics (formerly Invitae), Labcorp
Classification: Uncertain significance. Last evaluated: 2025-11-17. Review status: criteria provided, single submitter. Criteria: Invitae Variant Classification Sherloc (09022015). Collection method: clinical testing. Allele origin: germline.
Comment: This sequence change replaces isoleucine, which is neutral and non-polar, with phenylalanine, which is neutral and non-polar, at codon 719 of the MSH3 protein (p.Ile719Phe). This variant is present in population databases (rs763245421, gnomAD 0.002%). This variant has not been reported in the literature in individuals affected with MSH3-related conditions. ClinVar contains an entry for this variant (Variation ID: 652431). An algorithm developed to predict the effect of missense changes on protein structure and function (PolyPhen-2) suggests that this variant is likely to be disruptive. In summary, the available evidence is currently insufficient to determine the role of this variant in disease. Therefore, it has been classified as a Variant of Uncertain Significance.

Ambry Genetics
Classification: Uncertain significance for Hereditary cancer-predisposing syndrome. Last evaluated: 2024-06-17. Review status: criteria provided, single submitter. Criteria: Ambry Variant Classification Scheme 2023. Collection method: clinical testing. Allele origin: germline.